The following is an entry in ClinVar:

NM_006306.4(SMC1A):c.1193G>A (p.Arg398Gln)

Gene: SMC1A (structural maintenance of chromosomes 1A; minus strand). Cytogenetic location: Xp11.22.
Variant type: single nucleotide variant.
Coding change: c.1193G>A on transcript NM_006306.4 (MANE Select); coding-DNA position 1193, G replaced by A.
Protein change: p.Arg398Gln; replaces arginine 398 with glutamine.
Molecular consequence: missense variant.
Genome position (GRCh38, 1-based): chrX:53,411,822, C>T on the plus strand (G>A on the coding strand, the complement: SMC1A is on the minus strand). VCF-style: chrX-53411822-C-T. GRCh37 (hg19) VCF-style: chrX-53438772-C-T.
Other names: c.1127G>A, p.Arg376Gln (NM_001281463.1); short protein forms R398Q, R376Q.
Identifiers: ClinVar variation 159938 (VCV000159938.18), dbSNP rs587784403, ClinGen allele CA272505.
Genomic context (GRCh38, chrX:53,411,822, plus strand): 5'-TCTGTCTCTACTTTCTTCCGTTCTTCCAGATCCAGACGGTCCTGGTCAGCTTTCTGGTCT[C>T]GATTGAATTTCTCCAGCTCCTGGGCCAGGGTAGCTGCTCTCTTGCTGGCTTCTTCTTTCA-3'
Protein context (NP_006297.2, residues 388-408): TLAQELEKFN[Arg398Gln]DQKADQDRLD

ClinVar aggregate classification (germline): Pathogenic. Review status: criteria provided, multiple submitters, no conflicts (2 of 4 stars). 4 submissions from 4 submitters: Pathogenic (4). Last evaluated 2026-02-07.

Conditions:
SMC1A-related disorder. Also called: SMC1A-related condition.
Congenital muscular hypertrophy-cerebral syndrome (CDLS2). Also called: SMC1A-Related Cornelia de Lange Syndrome; Cornelia de Lange syndrome 2. Identifiers: Orphanet 199, MedGen C1802395, MONDO:0010370, OMIM 300590.

Submissions (4):

GeneDx
Classification: Pathogenic. Last evaluated: 2026-02-07. Review status: criteria provided, single submitter. Criteria: GeneDx Variant Classification Process June 2021. Collection method: clinical testing. Allele origin: germline.
Comment: Not observed at significant frequency in large population cohorts (gnomAD); Missense variants in this gene are a common cause of disease and they are underrepresented in the general population; In silico analysis suggests that this missense variant does not alter protein structure/function; This variant is associated with the following publications: (PMID: 22140011, 19842212, 28548707, 24124034, 26358754, 19701948)

Labcorp Genetics (formerly Invitae), Labcorp
Classification: Pathogenic for Congenital muscular hypertrophy-cerebral syndrome. Last evaluated: 2025-06-29. Review status: criteria provided, single submitter. Criteria: Invitae Variant Classification Sherloc (09022015). Collection method: clinical testing. Allele origin: germline.
Comment: This sequence change replaces arginine, which is basic and polar, with glutamine, which is neutral and polar, at codon 398 of the SMC1A protein (p.Arg398Gln). This variant is not present in population databases (gnomAD no frequency). This missense change has been observed in individual(s) with Cornelia de Lange syndrome (PMID: 19701948). In at least one individual the variant was observed to be de novo. ClinVar contains an entry for this variant (Variation ID: 159938). Invitae Evidence Modeling of protein sequence and biophysical properties (such as structural, functional, and spatial information, amino acid conservation, physicochemical variation, residue mobility, and thermodynamic stability) indicates that this missense variant is not expected to disrupt SMC1A protein function with a negative predictive value of 80%. For these reasons, this variant has been classified as Pathogenic.

Blueprint Genetics
Classification: Pathogenic for SMC1A-related disorders. Last evaluated: 2020-01-20. Review status: criteria provided, single submitter. Criteria: ACMG Guidelines, 2015. Collection method: clinical testing. Allele origin: de novo. Affected: yes. Observed: 1 variant allele.

Genetic Services Laboratory, University of Chicago
Classification: Pathogenic for Cornelia de Lange syndrome 2. Last evaluated: 2013-02-08. Review status: criteria provided, single submitter. Criteria: ACMG Guidelines, 2007. Collection method: clinical testing. Allele origin: germline. Inheritance: X-linked inheritance. Affected: yes.

Literature cited by the submitters: PubMed 19701948 (cited by Labcorp Genetics (formerly Invitae), Labcorp).